The following is an entry in ClinVar:

NM_000257.4(MYH7):c.4872G>T (p.Glu1624Asp)

Genes: MHRT (myosin heavy chain associated RNA transcript; plus strand), MYH7 (myosin heavy chain 7; minus strand), LOC126861897 (BRD4-independent group 4 enhancer GRCh37_chr14:23884455-23885654; plus strand). Cytogenetic location: 14q11.2.
Variant type: single nucleotide variant.
Coding change: c.4872G>T on transcript NM_000257.4 (MANE Select); coding-DNA position 4872, G replaced by T.
Protein change: p.Glu1624Asp; replaces glutamic acid 1624 with aspartic acid.
Molecular consequence: missense variant. On other transcripts: non-coding transcript variant (1).
Genome position (GRCh38, 1-based): chr14:23,416,085, C>A on the plus strand (G>T on the coding strand, the complement: MYH7 is on the minus strand). VCF-style: chr14-23416085-C-A. GRCh37 (hg19) VCF-style: chr14-23885294-C-A.
Other names: c.4872G>T (LRG_384t1); short protein forms E1624D.
Identifiers: ClinVar variation 429292 (VCV000429292.6), dbSNP rs766561921, ClinGen allele CA389037459.

ClinVar aggregate classification (germline): Uncertain significance. Review status: criteria provided, multiple submitters, no conflicts (2 of 4 stars). 2 submissions from 2 submitters: Uncertain significance (2). Last evaluated 2017-12-08.

Conditions:
Cardiovascular phenotype. Identifiers: MedGen CN230736.

Allele frequency attached by ClinVar (database versions not stated): TOPMed 0.00002.
gnomAD v4.1: 5 of 1,614,106 alleles (0.00031%); highest among the groups gnomAD compares: Non-Finnish European, 0.00042%; no homozygotes.

Submissions (2):

Ambry Genetics
Classification: Uncertain significance for Cardiovascular phenotype. Last evaluated: 2017-12-08. Review status: criteria provided, single submitter. Criteria: Ambry Variant Classification Scheme 2023. Collection method: clinical testing. Allele origin: germline.
Comment: The p.E1624D variant (also known as c.4872G>T), located in coding exon 32 of the MYH7 gene, results from a G to T substitution at nucleotide position 4872. The glutamic acid at codon 1624 is replaced by aspartic acid, an amino acid with highly similar properties. This amino acid position is highly conserved in available vertebrate species. In addition, the in silico prediction for this alteration is inconclusive. Since supporting evidence is limited at this time, the clinical significance of this alteration remains unclear.

GeneDx
Classification: Uncertain significance. Last evaluated: 2017-05-01. Review status: criteria provided, single submitter. Criteria: GeneDx Variant Classification (06012015). Collection method: clinical testing. Allele origin: germline. Affected: yes.
Comment: The E1624D variant has not been published as pathogenic or been reported as benign to our knowledge. The E1624D variant is not observed in large population cohorts (Lek et al., 2016; 1000 Genomes Consortium et al., 2015; Exome Variant Server). This substitution occurs at a position that is conserved across species. The majority (2 out of 3) of in silico analyses predicts this variant is probably damaging to the protein structure/function. Nevertheless, the E1624D variant is a conservative amino acid substitution, which is not likely to impact secondary protein structure as these residues share similar properties.